The following is an entry in ClinVar:

NM_032581.4(HYCC1):c.133A>T (p.Ile45Phe)

Gene: HYCC1 (hyccin PI4KA lipid kinase complex subunit 1; minus strand). Cytogenetic location: 7p15.3.
Variant type: single nucleotide variant.
Coding change: c.133A>T on transcript NM_032581.4 (MANE Select); coding-DNA position 133, A replaced by T.
Protein change: p.Ile45Phe; replaces isoleucine 45 with phenylalanine.
Molecular consequence: missense variant.
Genome position (GRCh38, 1-based): chr7:22,983,964, T>A on the plus strand (A>T on the coding strand, the complement: HYCC1 is on the minus strand). VCF-style: chr7-22983964-T-A. GRCh37 (hg19) VCF-style: chr7-23023583-T-A.
Other names: c.133A>T, p.Ile45Phe (NM_001363466.2, NM_001363467.2); short protein forms I45F.
Identifiers: ClinVar variation 2074574 (VCV002074574.4), dbSNP rs1398573943, ClinGen allele CA366978768.

ClinVar aggregate classification (germline): Uncertain significance (1 of 4 stars; one submission).

Conditions:
Hypomyelination and Congenital Cataract (HLD5). Also called: hypomyelinating leukodystrophy 5. Identifiers: Orphanet 85163, MedGen C1864663, MONDO:0012514, OMIM 610532.

Allele frequency attached by ClinVar (database versions not stated): TOPMed below 0.00001.

Submission:

Labcorp Genetics (formerly Invitae), Labcorp
Classification: Uncertain significance for Hypomyelination and Congenital Cataract. Last evaluated: 2025-10-27. Review status: criteria provided, single submitter. Criteria: Invitae Variant Classification Sherloc (09022015). Collection method: clinical testing. Allele origin: germline.
Comment: This sequence change replaces isoleucine, which is neutral and non-polar, with phenylalanine, which is neutral and non-polar, at codon 45 of the FAM126A protein (p.Ile45Phe). This variant is not present in population databases (gnomAD no frequency). This variant has not been reported in the literature in individuals affected with FAM126A-related conditions. ClinVar contains an entry for this variant (Variation ID: 2074574). Invitae Evidence Modeling of protein sequence and biophysical properties (such as structural, functional, and spatial information, amino acid conservation, physicochemical variation, residue mobility, and thermodynamic stability) has been performed for this missense variant. However, the output from this modeling did not meet the statistical confidence thresholds required to predict the impact of this variant on FAM126A protein function. In summary, the available evidence is currently insufficient to determine the role of this variant in disease. Therefore, it has been classified as a Variant of Uncertain Significance.